The following is an entry in ClinVar:

ClinVar aggregate classification (germline): Conflicting classifications of pathogenicity. Review status: criteria provided, conflicting classifications (1 of 4 stars). 8 submissions from 8 submitters: Uncertain significance (5); Likely benign (1). 2 of the submissions do not count toward it. Last evaluated 2026-02-22.

Conditions:
TTN-related disorder. Also called: TTN-related condition; TTN-related disease; TTN-related disorders.

Allele frequency attached by ClinVar (database versions not stated): TOPMed 0.00005; gnomAD 0.00006 and 0.00007; gnomAD exomes 0.00006; ExAC 0.00007.
gnomAD v4.1: 132 of 1,613,804 alleles (0.0082%); highest among the groups gnomAD compares: Middle Eastern, 0.28%; 1 homozygote.

Submissions (8):

PreventionGenetics, part of Exact Sciences
Classification: Uncertain significance for TTN-related condition. Last evaluated: 2026-02-22. Review status: criteria provided, single submitter. Criteria: ACMG Guidelines, 2015. Collection method: clinical testing. Allele origin: germline.
Comment: The TTN c.13376T>C variant is predicted to result in the amino acid substitution p.Ile4459Thr. To our knowledge, this variant has not been reported in the literature. This variant is reported in 0.013% of alleles in individuals of European (Non-Finnish) descent in gnomAD. At this time, the clinical significance of this variant is uncertain due to the absence of conclusive functional and genetic evidence.

Molecular Diagnostic Laboratory for Inherited Cardiovascular Disease, Montreal Heart Institute
Classification: Likely benign. Last evaluated: 2025-04-09. Review status: criteria provided, single submitter. Criteria: ACMG Guidelines, 2015. Collection method: clinical testing. Allele origin: germline. Affected: no.

CeGaT Center for Human Genetics Tuebingen
Classification: Uncertain significance. Last evaluated: 2022-12-01. Review status: criteria provided, single submitter. Criteria: CeGaT Center For Human Genetics Tuebingen Variant Classification Criteria Version 2. Collection method: clinical testing. Allele origin: germline. Affected: yes. Observed: 1 variant allele.
Comment: TTN: PM2, BP4

Laboratorio de Genetica e Diagnostico Molecular, Hospital Israelita Albert Einstein
Classification: Uncertain significance. Last evaluated: 2021-09-23. Review status: criteria provided, single submitter. Criteria: ACMG Guidelines, 2015. Collection method: clinical testing. Allele origin: germline. Affected: yes.
Comment: ACMG classification criteria: BP4

Eurofins Ntd Llc (ga)
Classification: Uncertain significance. Last evaluated: 2015-09-29. Review status: criteria provided, single submitter. Criteria: EGL Classification Definitions 2015. Collection method: clinical testing. Allele origin: germline. Observed: 1 variant allele, 1 heterozygote.

Laboratory for Molecular Medicine, Mass General Brigham Personalized Medicine
Classification: Uncertain significance. Last evaluated: 2015-09-09. Review status: criteria provided, single submitter. Criteria: LMM Criteria. Collection method: clinical testing. Allele origin: germline. Observed: 1 variant allele.
Comment: The p.Ile4221Thr variant in TTN has not been previously identified in individual s with cardiomyopathy, but has been identified in 8/66718 European chromosomes b y the Exome Aggregation Consortium (ExAC). Compu tational prediction tools and conservation analysis do not provide strong suppor t for or against an impact to the protein. In summary, the clinical significance of the p.Ile4221Thr variant is uncertain.

Clinical Genetics, Academic Medical Center
Classification: Uncertain significance. Review status: no assertion criteria provided. Collection method: clinical testing. Allele origin: germline. Affected: yes. Study: VKGL Data-share Consensus. Not counted in ClinVar's aggregate classification.

Joint Genome Diagnostic Labs from Nijmegen and Maastricht, Radboudumc and MUMC+
Classification: Uncertain significance. Review status: no assertion criteria provided. Collection method: clinical testing. Allele origin: germline. Affected: yes. Study: VKGL Data-share Consensus. Not counted in ClinVar's aggregate classification.

NM_001267550.2(TTN):c.13376T>C (p.Ile4459Thr)

Gene: TTN (titin; minus strand). Cytogenetic location: 2q31.2.
Variant type: single nucleotide variant.
Coding change: c.13376T>C on transcript NM_001267550.2 (MANE Select); coding-DNA position 13376, T replaced by C.
Protein change: p.Ile4459Thr; replaces isoleucine 4459 with threonine.
Molecular consequence: missense variant. On other transcripts: intron variant (1).
Genome position (GRCh38, 1-based): chr2:178,739,857, A>G on the plus strand (T>C on the coding strand, the complement: TTN is on the minus strand). VCF-style: chr2-178739857-A-G. GRCh37 (hg19) VCF-style: chr2-179604584-A-G.
Other names: c.12662T>C, p.Ile4221Thr (NM_133432.3); c.12425T>C, p.Ile4142Thr (NM_001256850.1); c.12287T>C, p.Ile4096Thr (NM_003319.4); c.12863T>C, p.Ile4288Thr (NM_133437.4); c.10361-1497T>C (NM_133378.4); short protein forms I4221T, I4459T, I4142T, I4288T, I4096T.
Identifiers: ClinVar variation 229595 (VCV000229595.41), dbSNP rs763065439, ClinGen allele CA2002588.